The following is an entry in ClinVar:

NM_002016.2(FLG):c.3645T>C (p.Ser1215=)

Genes: CCDST (cervical cancer associated DHX9 suppressive transcript; plus strand), FLG (filaggrin; minus strand). Cytogenetic location: 1q21.3.
Variant type: single nucleotide variant.
Coding change: c.3645T>C on transcript NM_002016.2 (MANE Select); coding-DNA position 3645, T replaced by C.
Protein change: p.Ser1215=; no amino-acid change (serine 1215 retained).
Molecular consequence: synonymous variant.
Genome position (GRCh38, 1-based): chr1:152,311,241, A>G on the plus strand (T>C on the coding strand, the complement: FLG is on the minus strand). VCF-style: chr1-152311241-A-G. GRCh37 (hg19) VCF-style: chr1-152283717-A-G.
Identifiers: ClinVar variation 2639295 (VCV002639295.25), dbSNP rs148792255, ClinGen allele CA1106586.
Genomic context (GRCh38, chr1:152,311,241, plus strand): 5'-TGACCCTGAGTGCCTGGAGCCGTCTCCTGATTGTTTGTCCTTACGAGTTTGTCTGCTTGC[A>G]CTTCTGGATCCTGACTGCCCATGGGAGGCATCAGACCTTCCCTGGGATGTGGTGTGGCTG-3'
Protein context (NP_002007.1, residues 1205-1225): DASHGQSGSR[Ser1215=]ASRQTRKDKQ

ClinVar aggregate classification (germline): Likely benign. Review status: criteria provided, multiple submitters, no conflicts (2 of 4 stars). 2 submissions from 2 submitters: Likely benign (2). Last evaluated 2026-06-01.

Allele frequency attached by ClinVar (database versions not stated): TOPMed 0.00028; ESP Exome Variant Server 0.00038; 1000 Genomes Project 30x 0.00094; 1000 Genomes Project 0.00100; gnomAD 0.00127; ExAC 0.00158.
gnomAD v4.1: 1,246 of 1,613,394 alleles (0.077%); highest among the groups gnomAD compares: East Asian, 0.29%; 7 homozygotes.

Submissions (2):

CeGaT Center for Human Genetics Tuebingen
Classification: Likely benign. Last evaluated: 2026-06-01. Review status: criteria provided, single submitter. Criteria: CeGaT Center For Human Genetics Tuebingen Variant Classification Criteria Version 2. Collection method: clinical testing. Allele origin: germline. Affected: yes. Observed: 3 variant alleles.
Comment: FLG: BP4, BP7

Blueprint Genetics
Classification: Likely benign. Last evaluated: 2024-11-25. Review status: criteria provided, single submitter. Criteria: ACMG Guidelines, 2015. Collection method: clinical testing. Allele origin: germline.